The following is an entry in ClinVar:

ClinVar aggregate classification (germline): Likely pathogenic (1 of 4 stars; one submission).

Conditions:
PKHD1-related disorder. Also called: PKHD1-related condition.

Submission:

PreventionGenetics, part of Exact Sciences
Classification: Likely pathogenic for PKHD1-related condition. Last evaluated: 2025-10-15. Review status: criteria provided, single submitter. Criteria: ACMG Guidelines, 2015. Collection method: clinical testing. Allele origin: germline.
Comment: The PKHD1 c.1071dupT variant is predicted to result in a frameshift and premature protein termination (p.Ala358Cysfs*30). To our knowledge, this variant has not been reported in the literature or in a large population database (gnomAD), indicating this variant is rare. Frameshift variants in PKHD1 are expected to be pathogenic. This variant is interpreted as likely pathogenic.

NM_138694.4(PKHD1):c.1071dup (p.Ala358fs)

Gene: PKHD1 (PKHD1 ciliary IPT domain containing fibrocystin/polyductin; minus strand). Cytogenetic location: 6p12.2.
Variant type: Duplication.
Coding change: c.1071dup on transcript NM_138694.4 (MANE Select); coding-DNA position 1071, one base duplicated (T; older notation c.1071dupT).
Protein change: p.Ala358fs; shifts the reading frame from alanine 358.
Molecular consequence: frameshift variant.
Genome position (GRCh38, 1-based): chr6:52,062,566, A duplicated on the plus strand (T on the coding strand, the reverse complement: PKHD1 is on the minus strand). VCF-style (leftmost placement, unchanged base first): chr6-52062565-C-CA. GRCh37 (hg19) VCF-style: chr6-51927363-C-CA.
Other names: c.1071dup, p.Ala358fs (NM_170724.3); short protein forms A358fs.
Identifiers: ClinVar variation 4996454 (VCV004996454.1).